The following is an entry in ClinVar:

NM_007254.4(PNKP):c.1298+1_1298+10del

Gene: PNKP (polynucleotide kinase 3'-phosphatase; minus strand). Cytogenetic location: 19q13.33.
Variant type: Deletion.
Coding change: c.1298+1_1298+10del on transcript NM_007254.4 (MANE Select); the canonical splice donor site of the intron after coding-DNA position 1298 through 10 bases into the intron after coding-DNA position 1298, 10 bases deleted (GTAGCGTGAC; older notation c.1298+1_1298+10delGTAGCGTGAC).
Molecular consequence: splice donor variant.
Genome position (GRCh38, 1-based): chr19:49,861,762-49,861,771, GTCACGCTAC deleted on the plus strand (GTAGCGTGAC on the coding strand, the reverse complement: PNKP is on the minus strand). VCF-style (leftmost placement, unchanged base first): chr19-49861761-GGTCACGCTAC-G. GRCh37 (hg19) VCF-style: chr19-50365018-GGTCACGCTAC-G.
Identifiers: ClinVar variation 944401 (VCV000944401.8), dbSNP rs1568658916, ClinGen allele CA633894509.

ClinVar aggregate classification (germline): Likely pathogenic (1 of 4 stars; one submission).

Conditions:
Developmental and epileptic encephalopathy, 12 (DEE12). Identifiers: MedGen C3150988, MONDO:0013389, OMIM 613722.

Allele frequency attached by ClinVar (database versions not stated): gnomAD exomes below 0.00001 and 0.00001; TOPMed below 0.00001.

Submission:

Labcorp Genetics (formerly Invitae), Labcorp
Classification: Likely pathogenic for Developmental and epileptic encephalopathy, 12. Last evaluated: 2019-05-10. Review status: criteria provided, single submitter. Criteria: Invitae Variant Classification Sherloc (09022015). Collection method: clinical testing. Allele origin: germline.
Comment: In summary, the currently available evidence indicates that the variant is pathogenic, but additional data are needed to prove that conclusively. Therefore, this variant has been classified as Likely Pathogenic. Donor and acceptor splice site variants typically lead to a loss of protein function (PMID: 16199547), and loss-of-function variants in PNKP are known to be pathogenic (PMID: 20118933, 25728773). This sequence change affects a donor splice site in intron 14 of the PNKP gene. It is expected to disrupt RNA splicing and likely results in an absent or disrupted protein product. This variant is not present in population databases (ExAC no frequency). This variant has not been reported in the literature in individuals with PNKP-related conditions.

Literature cited by the submitters: PubMed 16199547; PubMed 20118933; PubMed 25728773.